The following is an entry in ClinVar:

ClinVar aggregate classification (germline): Uncertain significance (1 of 4 stars; one submission).

Allele frequency attached by ClinVar (database versions not stated): gnomAD exomes 0.00001 and 0.00002; ExAC 0.00003; gnomAD 0.00004; TOPMed 0.00006; ESP Exome Variant Server 0.00008; 1000 Genomes Project 0.00020; 1000 Genomes Project 30x 0.00031.
gnomAD v4.1: 28 of 1,614,184 alleles (0.0017%); highest among the groups gnomAD compares: South Asian, 0.011%; no homozygotes.

Submission:

Labcorp Genetics (formerly Invitae), Labcorp
Classification: Uncertain significance. Last evaluated: 2024-09-02. Review status: criteria provided, single submitter. Criteria: Invitae Variant Classification Sherloc (09022015). Collection method: clinical testing. Allele origin: germline.
Comment: This sequence change affects codon 1054 of the DUOX2 mRNA. It is a 'silent' change, meaning that it does not change the encoded amino acid sequence of the DUOX2 protein. This variant is present in population databases (rs372592162, gnomAD 0.01%). This variant has not been reported in the literature in individuals affected with DUOX2-related conditions. ClinVar contains an entry for this variant (Variation ID: 1483577). Algorithms developed to predict the effect of sequence changes on RNA splicing suggest that this variant may create or strengthen a splice site. In summary, the available evidence is currently insufficient to determine the role of this variant in disease. Therefore, it has been classified as a Variant of Uncertain Significance.

NM_001363711.2(DUOX2):c.3162C>T (p.Gly1054=)

Gene: DUOX2 (dual oxidase 2; minus strand). Cytogenetic location: 15q21.1.
Variant type: single nucleotide variant.
Coding change: c.3162C>T on transcript NM_001363711.2 (MANE Select); coding-DNA position 3162, C replaced by T.
Protein change: p.Gly1054=; no amino-acid change (glycine 1054 retained).
Molecular consequence: synonymous variant.
Genome position (GRCh38, 1-based): chr15:45,100,072, G>A on the plus strand (C>T on the coding strand, the complement: DUOX2 is on the minus strand). VCF-style: chr15-45100072-G-A. GRCh37 (hg19) VCF-style: chr15-45392270-G-A.
Other names: c.3162C>T, p.Gly1054= (NM_014080.5).
Identifiers: ClinVar variation 1483577 (VCV001483577.7), dbSNP rs372592162, ClinGen allele CA7537994.